The following is an entry in ClinVar:

ClinVar aggregate classification (germline): Pathogenic (1 of 4 stars; one submission).

Conditions:
Werner syndrome (WRN). Identifiers: Orphanet 902, MedGen C0043119, MONDO:0010196, OMIM 277700.

Submission:

Labcorp Genetics (formerly Invitae), Labcorp
Classification: Pathogenic for Werner syndrome. Last evaluated: 2023-11-08. Review status: criteria provided, single submitter. Criteria: Invitae Variant Classification Sherloc (09022015). Collection method: clinical testing. Allele origin: germline.
Comment: This sequence change creates a premature translational stop signal (p.Ile333Glufs*6) in the WRN gene. It is expected to result in an absent or disrupted protein product. Loss-of-function variants in WRN are known to be pathogenic (PMID: 16673358). This variant is not present in population databases (gnomAD no frequency). This variant has not been reported in the literature in individuals affected with WRN-related conditions. For these reasons, this variant has been classified as Pathogenic.

Literature cited by the submitters: PubMed 16673358.

NM_000553.6(WRN):c.997_1000del (p.Ile333fs)

Gene: WRN (WRN RecQ like helicase; plus strand). Cytogenetic location: 8p12.
Variant type: Deletion.
Coding change: c.997_1000del on transcript NM_000553.6 (MANE Select); coding-DNA positions 997 to 1000, 4 bases deleted (ATTA; older notation c.997_1000delATTA).
Protein change: p.Ile333fs; shifts the reading frame from isoleucine 333.
Molecular consequence: frameshift variant.
Genome position (GRCh38, 1-based): chr8:31,081,024-31,081,027, ATTA deleted; deleting any 4 consecutive bases within chr8:31,081,023-31,081,027 gives the same sequence; the c. name uses the placement nearest the transcript's 3' end. VCF-style (leftmost placement, unchanged base first): chr8-31081022-AAATT-A. GRCh37 (hg19) VCF-style: chr8-30938538-AAATT-A.
Other names: short protein forms I333fs.
Identifiers: ClinVar variation 2694315 (VCV002694315.3), dbSNP rs2535910324, ClinGen allele CA2697549828.